The following is an entry in ClinVar:

NM_006941.4(SOX10):c.1369_1375del (p.Gln457fs)

Genes: POLR2F (RNA polymerase II, I and III subunit F; plus strand), SOX10 (SRY-box transcription factor 10; minus strand). Cytogenetic location: 22q13.1.
Variant type: Deletion.
Coding change: c.1369_1375del on transcript NM_006941.4 (MANE Select); coding-DNA positions 1369 to 1375, 7 bases deleted (CAGCCAG; older notation c.1369_1375delCAGCCAG).
Protein change: p.Gln457fs; shifts the reading frame from glutamine 457.
Molecular consequence: frameshift variant. On other transcripts: intron variant (3).
Genome position (GRCh38, 1-based): chr22:37,973,521-37,973,527, CTGGCTG deleted on the plus strand (CAGCCAG on the coding strand, the reverse complement: SOX10 is on the minus strand); deleting any 7 consecutive bases within chr22:37,973,521-37,973,529 gives the same sequence; the c. name uses the placement nearest the transcript's 3' end. VCF-style (leftmost placement, unchanged base first): chr22-37973520-ACTGGCTG-A. GRCh37 (hg19) VCF-style: chr22-38369527-ACTGGCTG-A.
Other names: c.*38+1213_*38+1219del (NM_001363825.1); c.293+6353_293+6359del (NM_001301130.2, NM_001301131.2); short protein forms Q457fs.
Identifiers: ClinVar variation 3601811 (VCV003601811.1).
Genomic context (GRCh38, chr22:37,973,520, plus strand): 5'-GGGCTGGGCGGGGGGTGGTGGCGACAGGGCCCCCTTTAGGGCCGGGACAGTGTCGTATAT[ACTGGCTG>A]CTCCCAGTGTGTGGGGCTGTGGGACTGGGGCCCTGAGGGGCTGGGGTCAGAGATGGCCGT-3'

ClinVar aggregate classification (germline): Pathogenic (1 of 4 stars; one submission).

Conditions:
Waardenburg syndrome type 4C (WS4C). Also called: WAARDENBURG SYNDROME WITH HIRSCHSPRUNG DISEASE, TYPE 4C. Identifiers: Orphanet 897, MedGen C2750452, MONDO:0013202, OMIM 613266.

Submission:

Institute of Rare Diseases, West China Hospital, Sichuan University
Classification: Pathogenic for Waardenburg syndrome type 4C. Last evaluated: 2025-01-09. Review status: criteria provided, single submitter. Criteria: ClinGen HL ACMG Specifications v1. Collection method: research. Allele origin: germline. Affected: yes.
Comment: PM1;PVS1;PP1;PP4;PM2_Supporting